The following is an entry in ClinVar:

ClinVar aggregate classification (germline): Uncertain significance (1 of 4 stars; one submission).

Allele frequency attached by ClinVar (database versions not stated): gnomAD exomes below 0.00001; gnomAD 0.00001; TOPMed 0.00001.
gnomAD v4.1: 2 of 1,609,198 alleles (0.00012%); highest among the groups gnomAD compares: Non-Finnish European, 0.00017%; no homozygotes.

Submission:

Labcorp Genetics (formerly Invitae), Labcorp
Classification: Uncertain significance. Last evaluated: 2022-03-13. Review status: criteria provided, single submitter. Criteria: Invitae Variant Classification Sherloc (09022015). Collection method: clinical testing. Allele origin: germline.
Comment: This sequence change replaces aspartic acid, which is acidic and polar, with valine, which is neutral and non-polar, at codon 94 of the EIF2AK3 protein (p.Asp94Val). This variant is not present in population databases (gnomAD no frequency). This variant has not been reported in the literature in individuals affected with EIF2AK3-related conditions. Algorithms developed to predict the effect of missense changes on protein structure and function (SIFT, PolyPhen-2, Align-GVGD) all suggest that this variant is likely to be tolerated. In summary, the available evidence is currently insufficient to determine the role of this variant in disease. Therefore, it has been classified as a Variant of Uncertain Significance.

NM_004836.7(EIF2AK3):c.281A>T (p.Asp94Val)

Gene: EIF2AK3 (eukaryotic translation initiation factor 2 alpha kinase 3; minus strand). Cytogenetic location: 2p11.2.
Variant type: single nucleotide variant.
Coding change: c.281A>T on transcript NM_004836.7 (MANE Select); coding-DNA position 281, A replaced by T.
Protein change: p.Asp94Val; replaces aspartic acid 94 with valine.
Molecular consequence: missense variant.
Genome position (GRCh38, 1-based): chr2:88,626,994, T>A on the plus strand (A>T on the coding strand, the complement: EIF2AK3 is on the minus strand). VCF-style: chr2-88626994-T-A. GRCh37 (hg19) VCF-style: chr2-88926512-T-A.
Other names: short protein forms D94V.
Identifiers: ClinVar variation 2110742 (VCV002110742.1), dbSNP rs1675880283, ClinGen allele CA347763121.